The following is an entry in ClinVar:

ClinVar aggregate classification (germline): Uncertain significance (1 of 4 stars; one submission).

Allele frequency attached by ClinVar (database versions not stated): TOPMed below 0.00001; gnomAD 0.00001.
gnomAD v4.1: 2 of 1,613,962 alleles (0.00012%); highest among the groups gnomAD compares: Non-Finnish European, 0.00017%; no homozygotes.

Submission:

Labcorp Genetics (formerly Invitae), Labcorp
Classification: Uncertain significance. Last evaluated: 2022-05-25. Review status: criteria provided, single submitter. Criteria: Invitae Variant Classification Sherloc (09022015). Collection method: clinical testing. Allele origin: germline.
Comment: In summary, the available evidence is currently insufficient to determine the role of this variant in disease. Therefore, it has been classified as a Variant of Uncertain Significance. Algorithms developed to predict the effect of missense changes on protein structure and function output the following: SIFT: "Tolerated"; PolyPhen-2: "Benign"; Align-GVGD: "Class C0". The glutamic acid amino acid residue is found in multiple mammalian species, which suggests that this missense change does not adversely affect protein function. This variant has not been reported in the literature in individuals affected with MYO5B-related conditions. This variant is not present in population databases (gnomAD no frequency). This sequence change replaces aspartic acid, which is acidic and polar, with glutamic acid, which is acidic and polar, at codon 1186 of the MYO5B protein (p.Asp1186Glu).

NM_001080467.3(MYO5B):c.3558C>A (p.Asp1186Glu)

Gene: MYO5B (myosin VB; minus strand). Cytogenetic location: 18q21.1.
Variant type: single nucleotide variant.
Coding change: c.3558C>A on transcript NM_001080467.3 (MANE Select); coding-DNA position 3558, C replaced by A.
Protein change: p.Asp1186Glu; replaces aspartic acid 1186 with glutamic acid.
Molecular consequence: missense variant.
Genome position (GRCh38, 1-based): chr18:49,872,212, G>T on the plus strand (C>A on the coding strand, the complement: MYO5B is on the minus strand). VCF-style: chr18-49872212-G-T. GRCh37 (hg19) VCF-style: chr18-47398582-G-T.
Other names: short protein forms D1186E.
Identifiers: ClinVar variation 1966383 (VCV001966383.5), dbSNP rs1555795769, ClinGen allele CA402428012.
Genomic context (GRCh38, chr18:49,872,212, plus strand): 5'-CCCCAAGAATCTTACCTTCAGACTATTGTAGGCCAGATCTGCATTCGGGTCCAAATCTAT[G>T]TCAGTCTGTGGTGGTTCCGCCTGCATGGATAGAGACACAAAGATAAGTGCAGACCTCGAG-3'
Protein context (NP_001073936.1, residues 1176-1196): KKVQAEPPQT[Asp1186Glu]IDLDPNADLA